The following is an entry in ClinVar:

ClinVar aggregate classification (germline): Uncertain significance (1 of 4 stars; one submission).

Conditions:
LEPR-related disorder. Also called: LEPR-related disorders; LEPR-related condition.

gnomAD v4.1: 6 of 1,614,046 alleles (0.00037%); highest among the groups gnomAD compares: African/African-American, 0.008%; no homozygotes.

Submission:

PreventionGenetics, part of Exact Sciences
Classification: Uncertain significance for LEPR-related condition. Last evaluated: 2026-03-22. Review status: criteria provided, single submitter. Criteria: ACMG Guidelines, 2015. Collection method: clinical testing. Allele origin: germline.
Comment: The LEPR c.1486T>A variant is predicted to result in the amino acid substitution p.Tyr496Asn. To our knowledge, this variant has not been reported in the literature. This variant is reported in 0.011% of alleles in individuals of African descent in gnomAD. At this time, the clinical significance of this variant is uncertain due to the absence of conclusive functional and genetic evidence.

NM_002303.6(LEPR):c.1486T>A (p.Tyr496Asn)

Gene: LEPR (leptin receptor; plus strand). Cytogenetic location: 1p31.3.
Variant type: single nucleotide variant.
Coding change: c.1486T>A on transcript NM_002303.6 (MANE Select); coding-DNA position 1486, T replaced by A.
Protein change: p.Tyr496Asn; replaces tyrosine 496 with asparagine.
Molecular consequence: missense variant.
Genome position (GRCh38, 1-based): chr1:65,605,120, T>A. VCF-style: chr1-65605120-T-A. GRCh37 (hg19) VCF-style: chr1-66070803-T-A.
Other names: c.1486T>A, p.Tyr496Asn (NM_001003679.3, NM_001003680.3, NM_001198687.2 and 2 more transcripts); short protein forms Y496N.
Identifiers: ClinVar variation 4992366 (VCV004992366.1).